The following is an entry in ClinVar:

NM_181458.4(PAX3):c.75C>G (p.Phe25Leu)

Genes: CCDC140 (CCDC140 long non-coding RNA; plus strand), PAX3 (paired box 3; minus strand). Cytogenetic location: 2q36.1.
Variant type: single nucleotide variant.
Coding change: c.75C>G on transcript NM_181458.4 (MANE Select); coding-DNA position 75, C replaced by G.
Protein change: p.Phe25Leu; replaces phenylalanine 25 with leucine.
Molecular consequence: missense variant.
Genome position (GRCh38, 1-based): chr2:222,298,541, G>C on the plus strand (C>G on the coding strand, the complement: PAX3 is on the minus strand). VCF-style: chr2-222298541-G-C. GRCh37 (hg19) VCF-style: chr2-223163260-G-C.
Other names: c.75C>G, p.Phe25Leu (NM_000438.6, NM_001127366.3, NM_013942.5 and 4 more transcripts); short protein forms F25L.
Identifiers: ClinVar variation 4538852 (VCV004538852.1).

ClinVar aggregate classification (germline): Uncertain significance (1 of 4 stars; one submission).

Submission:

GeneDx
Classification: Uncertain significance. Last evaluated: 2025-06-18. Review status: criteria provided, single submitter. Criteria: GeneDx Variant Classification Process June 2021. Collection method: clinical testing. Allele origin: germline. Affected: yes.
Comment: Not observed at significant frequency in large population cohorts (gnomAD); In silico analysis supports that this missense variant has a deleterious effect on protein structure/function; Has not been previously published as pathogenic or benign to our knowledge